The following is an entry in ClinVar:

ClinVar aggregate classification (germline): Benign/Likely benign. Review status: criteria provided, multiple submitters, no conflicts (2 of 4 stars). 3 submissions from 3 submitters: Benign (1); Likely benign (2). Last evaluated 2024-10-18.

Conditions:
Hereditary cancer-predisposing syndrome. Also called: Neoplastic Syndromes, Hereditary; Hereditary Cancer Syndrome; Hereditary neoplastic syndrome; Tumor predisposition. Identifiers: Orphanet 140162, MedGen C0027672, MeSH D009386, MONDO:0015356.
Hereditary leiomyomatosis and renal cell cancer. Also called: Reed syndrome; Multiple cutaneous and uterine leiomyomatosis; Cutaneous leiomyomata with uterine leiomyomata; Leiomyoma, hereditary multiple, of skin; Multiple cutaneous and uterine leiomyomata; Multiple cutaneous leiomyomas. Identifiers: Orphanet 523, MedGen C1708350, MONDO:0007888, OMIM 150800, HP:0007437. Disease mechanism: loss of function.

Submissions (3):

Myriad Genetics, Inc.
Classification: Benign for Hereditary leiomyomatosis and renal cell cancer. Last evaluated: 2024-10-18. Review status: criteria provided, single submitter. Criteria: Myriad Autosomal Dominant, Autosomal Recessive and X-Linked Classification Criteria (2023). Collection method: clinical testing. Allele origin: unknown.
Comment: This variant is considered benign. This variant is a silent/synonymous amino acid change and it is not expected to impact splicing.

Labcorp Genetics (formerly Invitae), Labcorp
Classification: Likely benign. Last evaluated: 2024-06-09. Review status: criteria provided, single submitter. Criteria: Invitae Variant Classification Sherloc (09022015). Collection method: clinical testing. Allele origin: germline.

Ambry Genetics
Classification: Likely benign for Hereditary cancer-predisposing syndrome. Last evaluated: 2021-05-24. Review status: criteria provided, single submitter. Criteria: Ambry Variant Classification Scheme 2023. Collection method: clinical testing. Allele origin: germline.

NM_000143.4(FH):c.576C>A (p.Pro192=)

Gene: FH (fumarate hydratase; minus strand). Cytogenetic location: 1q43.
Variant type: single nucleotide variant.
Coding change: c.576C>A on transcript NM_000143.4 (MANE Select); coding-DNA position 576, C replaced by A.
Protein change: p.Pro192=; no amino-acid change (proline 192 retained).
Molecular consequence: synonymous variant.
Genome position (GRCh38, 1-based): chr1:241,508,765, G>T on the plus strand (C>A on the coding strand, the complement: FH is on the minus strand). VCF-style: chr1-241508765-G-T. GRCh37 (hg19) VCF-style: chr1-241672065-G-T.
Identifiers: ClinVar variation 1116091 (VCV001116091.12), dbSNP rs1413797947, ClinGen allele CA424076170.